The following is an entry in ClinVar:

NM_005050.4(ABCD4):c.689G>A (p.Arg230Gln)

Gene: ABCD4 (ATP binding cassette subfamily D member 4; minus strand). Cytogenetic location: 14q24.3.
Variant type: single nucleotide variant.
Coding change: c.689G>A on transcript NM_005050.4 (MANE Select); coding-DNA position 689, G replaced by A.
Protein change: p.Arg230Gln; replaces arginine 230 with glutamine.
Molecular consequence: missense variant. On other transcripts: 5 prime UTR variant (9), non-coding transcript variant (9), intron variant (2).
Genome position (GRCh38, 1-based): chr14:74,295,178, C>T on the plus strand (G>A on the coding strand, the complement: ABCD4 is on the minus strand). VCF-style: chr14-74295178-C-T. GRCh37 (hg19) VCF-style: chr14-74761881-C-T.
Other names: c.563G>A, p.Arg188Gln (NM_001353591.2, NM_001353592.2); c.428G>A, p.Arg143Gln (NM_001353593.2); c.275G>A, p.Arg92Gln (NM_001353595.2, NM_001353596.2); c.212G>A, p.Arg71Gln (NM_001353598.2, NM_001353599.2, NM_001353600.2 and 2 more transcripts); c.-6G>A (NM_001353602.2, NM_001353603.2, NM_001353604.2 and 6 more transcripts); c.689G>A, p.Arg230Gln (NM_020325.3); c.407+676G>A (NM_001353594.2); c.254+676G>A (NM_001353597.2); short protein forms R143Q, R188Q, R230Q, R71Q, R92Q.
Identifiers: ClinVar variation 3619800 (VCV003619800.1).

ClinVar aggregate classification (germline): Uncertain significance (1 of 4 stars; one submission).

Conditions:
Methylmalonic acidemia with homocystinuria, type cblJ (MAHCJ). Also called: METHYLMALONIC ACIDURIA AND HOMOCYSTINURIA, cblJ TYPE. Identifiers: Orphanet 369955, MedGen C3553915, MONDO:0013925, OMIM 614857.

gnomAD v4.1: 9 of 1,614,190 alleles (0.00056%); highest among the groups gnomAD compares: East Asian, 0.0045%; no homozygotes.

Submission:

Labcorp Genetics (formerly Invitae), Labcorp
Classification: Uncertain significance for Methylmalonic acidemia with homocystinuria, type cblJ. Last evaluated: 2024-07-31. Review status: criteria provided, single submitter. Criteria: Invitae Variant Classification Sherloc (09022015). Collection method: clinical testing. Allele origin: germline.
Comment: This sequence change replaces arginine, which is basic and polar, with glutamine, which is neutral and polar, at codon 230 of the ABCD4 protein (p.Arg230Gln). This variant is present in population databases (no rsID available, gnomAD 0.006%). This variant has not been reported in the literature in individuals affected with ABCD4-related conditions. Advanced modeling of protein sequence and biophysical properties (such as structural, functional, and spatial information, amino acid conservation, physicochemical variation, residue mobility, and thermodynamic stability) performed at Invitae indicates that this missense variant is expected to disrupt ABCD4 protein function with a positive predictive value of 95%. In summary, the available evidence is currently insufficient to determine the role of this variant in disease. Therefore, it has been classified as a Variant of Uncertain Significance.